The following is an entry in ClinVar:

ClinVar aggregate classification (germline): Benign/Likely benign. Review status: criteria provided, multiple submitters, no conflicts (2 of 4 stars). 3 submissions from 3 submitters: Benign (1); Likely benign (2). Last evaluated 2024-07-29.

Conditions:
Hereditary cancer-predisposing syndrome. Also called: Neoplastic Syndromes, Hereditary; Tumor predisposition; Hereditary Cancer Syndrome; Hereditary neoplastic syndrome. Identifiers: Orphanet 140162, MedGen C0027672, MeSH D009386, MONDO:0015356.
Familial cancer of breast. Also called: BREAST CANCER, FAMILIAL; Hereditary breast cancer; hereditary breast carcinoma. Identifiers: Orphanet 227535, MedGen C0346153, MONDO:0016419, OMIM 114480. Disease mechanism: loss of function.

Allele frequency attached by ClinVar (database versions not stated): TOPMed below 0.00001.

Submissions (3):

Myriad Genetics, Inc.
Classification: Benign for Familial cancer of breast. Last evaluated: 2024-07-29. Review status: criteria provided, single submitter. Criteria: Myriad Autosomal Dominant, Autosomal Recessive and X-Linked Classification Criteria (2023). Collection method: clinical testing. Allele origin: unknown.
Comment: This variant is considered benign. This variant is a silent/synonymous amino acid change and it is not expected to impact splicing.

Labcorp Genetics (formerly Invitae), Labcorp
Classification: Likely benign for Familial cancer of breast. Last evaluated: 2022-07-19. Review status: criteria provided, single submitter. Criteria: Invitae Variant Classification Sherloc (09022015). Collection method: clinical testing. Allele origin: germline.

Ambry Genetics
Classification: Likely benign for Hereditary cancer-predisposing syndrome. Last evaluated: 2019-08-21. Review status: criteria provided, single submitter. Criteria: Ambry Variant Classification Scheme 2023. Collection method: clinical testing. Allele origin: germline.

NM_000465.4(BARD1):c.1881A>G (p.Gly627=)

Gene: BARD1 (BRCA1 associated RING domain 1; minus strand). Cytogenetic location: 2q35.
Variant type: single nucleotide variant.
Coding change: c.1881A>G on transcript NM_000465.4 (MANE Select); coding-DNA position 1881, A replaced by G.
Protein change: p.Gly627=; no amino-acid change (glycine 627 retained).
Molecular consequence: synonymous variant. On other transcripts: non-coding transcript variant (3), intron variant (1).
Genome position (GRCh38, 1-based): chr2:214,745,089, T>C on the plus strand (A>G on the coding strand, the complement: BARD1 is on the minus strand). VCF-style: chr2-214745089-T-C. GRCh37 (hg19) VCF-style: chr2-215609813-T-C.
Other names: c.1824A>G, p.Gly608= (NM_001282543.2); c.528A>G, p.Gly176= (NM_001282545.2); c.471A>G, p.Gly157= (NM_001282548.2); c.365-14581A>G (NM_001282549.2).
Identifiers: ClinVar variation 820238 (VCV000820238.15), dbSNP rs968535447, ClinGen allele CA64802334.